The following is an entry in ClinVar:

NM_000228.3(LAMB3):c.2983C>T (p.Gln995Ter)

Gene: LAMB3 (laminin subunit beta 3; minus strand). Cytogenetic location: 1q32.2.
Variant type: single nucleotide variant.
Coding change: c.2983C>T on transcript NM_000228.3 (MANE Select); coding-DNA position 2983, C replaced by T.
Protein change: p.Gln995Ter; replaces glutamine 995 with a stop codon.
Molecular consequence: nonsense.
Genome position (GRCh38, 1-based): chr1:209,617,975, G>A on the plus strand (C>T on the coding strand, the complement: LAMB3 is on the minus strand). VCF-style: chr1-209617975-G-A. GRCh37 (hg19) VCF-style: chr1-209791320-G-A.
Other names: c.2983C>T, p.Gln995Ter (NM_001017402.2, NM_001127641.1); short protein forms Q995*.
Identifiers: ClinVar variation 4746912 (VCV004746912.2).

ClinVar aggregate classification (germline): Pathogenic. Review status: criteria provided, multiple submitters, no conflicts (2 of 4 stars). 2 submissions from 2 submitters: Pathogenic (2). Last evaluated 2026-01-22.

Conditions:
Junctional epidermolysis bullosa. Identifiers: Orphanet 305, MedGen C0079301, MONDO:0017612.

Submissions (2):

Labcorp Genetics (formerly Invitae), Labcorp
Classification: Pathogenic. Last evaluated: 2026-01-22. Review status: criteria provided, single submitter. Criteria: Invitae Variant Classification Sherloc (09022015). Collection method: clinical testing. Allele origin: germline.
Comment: This sequence change creates a premature translational stop signal (p.Gln995*) in the LAMB3 gene. It is expected to result in an absent or disrupted protein product. Loss-of-function variants in LAMB3 are known to be pathogenic (PMID: 11023379, 16473856). This variant is not present in population databases (gnomAD no frequency). This premature translational stop signal has been observed in individual(s) with junctional epidermolysis bullosa (PMID: 16147969). For these reasons, this variant has been classified as Pathogenic.

Myriad Genetics, Inc.
Classification: Pathogenic for Junctional epidermolysis bullosa. Last evaluated: 2023-11-16. Review status: criteria provided, single submitter. Criteria: Myriad Autosomal Dominant, Autosomal Recessive and X-Linked Classification Criteria (2023). Collection method: clinical testing. Allele origin: unknown.
Comment: NM_000228.2(LAMB3):c.2983C>T(Q995*) is expected to be pathogenic in the context of junctional epidermolysis bullosa, LAMB3-related. This variant is predicted to lead to an abnormal or absent protein product due to the creation of a premature termination codon in LAMB3, a gene where loss-of-function variants are known to be pathogenic. Please note: this variant was assessed in the context of healthy population screening.

Literature cited by the submitters: PubMed 11023379 (cited by Labcorp Genetics (formerly Invitae), Labcorp); PubMed 16473856 (cited by Labcorp Genetics (formerly Invitae), Labcorp); PubMed 16147969 (cited by Labcorp Genetics (formerly Invitae), Labcorp).